The following is an entry in ClinVar:

NM_024298.5(MBOAT7):c.817G>A (p.Gly273Arg)

Gene: MBOAT7 (membrane bound acylglycerophosphatidylinositol O-acyltransferase MBOAT7; minus strand). Cytogenetic location: 19q13.42.
Variant type: single nucleotide variant.
Coding change: c.817G>A on transcript NM_024298.5 (MANE Select); coding-DNA position 817, G replaced by A.
Protein change: p.Gly273Arg; replaces glycine 273 with arginine.
Molecular consequence: missense variant.
Genome position (GRCh38, 1-based): chr19:54,180,810, C>T on the plus strand (G>A on the coding strand, the complement: MBOAT7 is on the minus strand). VCF-style: chr19-54180810-C-T. GRCh37 (hg19) VCF-style: chr19-54684527-C-T.
Other names: c.598G>A, p.Gly200Arg (NM_001146056.3, NM_001146083.3); c.817G>A, p.Gly273Arg (NM_001146082.3); short protein forms G200R, G273R.
Identifiers: ClinVar variation 4883629 (VCV004883629.3).

ClinVar aggregate classification (germline): Uncertain significance. Review status: criteria provided, multiple submitters, no conflicts (2 of 4 stars). 2 submissions from 2 submitters: Uncertain significance (2). Last evaluated 2025-12-10.

Submissions (2):

Dasa
Classification: Uncertain significance. Last evaluated: 2025-12-10. Review status: criteria provided, single submitter. Criteria: DASA Assertion Criteria. Collection method: clinical testing. Allele origin: germline.
Comment: NM_024298.5(MBOAT7):c.817G>A (p.Gly273Arg) is a missense variant that results in the substitution of glycine with arginine. This variant is rare in population databases. The currently available literature and clinical evidence are not sufficient to establish a definitive association between this variant and the reported condition. Therefore, this variant is classified as a variant of uncertain significance.

Blueprint Genetics
Classification: Uncertain significance. Last evaluated: 2024-04-11. Review status: criteria provided, single submitter. Criteria: ACMG Guidelines, 2015. Collection method: clinical testing. Allele origin: germline.